The following is an entry in ClinVar:

ClinVar aggregate classification (germline): Uncertain significance (1 of 4 stars; one submission).

Conditions:
Neuronopathy, distal hereditary motor, type 7A. Also called: SPINAL MUSCULAR ATROPHY, DISTAL, WITH VOCAL CORD PARALYSIS; Neuronopathy, distal hereditary motor, type viia; HARPER-YOUNG MYOPATHY; HMN VIIA; NEURONOPATHY, DISTAL HEREDITARY MOTOR, HARDING TYPE VIIA; NEUROPATHY, DISTAL HEREDITARY MOTOR, HARDING TYPE VIIA. Identifiers: Orphanet 139589, MedGen C1834703, MONDO:0008024, OMIM 158580.
Congenital myasthenic syndrome 20. Also called: Myasthenic syndrome, congenital, 20, presynaptic. Identifiers: MedGen C4310694, MONDO:0014939, OMIM 617143.

Allele frequency attached by ClinVar (database versions not stated): gnomAD exomes below 0.00001; TOPMed 0.00001; ExAC 0.00001; gnomAD 0.00001.
gnomAD v4.1: 7 of 1,614,044 alleles (0.00043%); highest among the groups gnomAD compares: East Asian, 0.0089%; no homozygotes.

Submission:

Labcorp Genetics (formerly Invitae), Labcorp
Classification: Uncertain significance for Neuronopathy, distal hereditary motor, type 7A; Congenital myasthenic syndrome 20. Last evaluated: 2025-02-26. Review status: criteria provided, single submitter. Criteria: Invitae Variant Classification Sherloc (09022015). Collection method: clinical testing. Allele origin: germline.
Comment: This sequence change replaces isoleucine, which is neutral and non-polar, with valine, which is neutral and non-polar, at codon 12 of the SLC5A7 protein (p.Ile12Val). This variant is present in population databases (rs764663527, gnomAD 0.006%). This variant has not been reported in the literature in individuals affected with SLC5A7-related conditions. ClinVar contains an entry for this variant (Variation ID: 1418951). Invitae Evidence Modeling of protein sequence and biophysical properties (such as structural, functional, and spatial information, amino acid conservation, physicochemical variation, residue mobility, and thermodynamic stability) indicates that this missense variant is not expected to disrupt SLC5A7 protein function with a negative predictive value of 80%. In summary, the available evidence is currently insufficient to determine the role of this variant in disease. Therefore, it has been classified as a Variant of Uncertain Significance.

NM_021815.5(SLC5A7):c.34A>G (p.Ile12Val)

Gene: SLC5A7 (solute carrier family 5 member 7; plus strand). Cytogenetic location: 2q12.3.
Variant type: single nucleotide variant.
Coding change: c.34A>G on transcript NM_021815.5 (MANE Select); coding-DNA position 34, A replaced by G.
Protein change: p.Ile12Val; replaces isoleucine 12 with valine.
Molecular consequence: missense variant. On other transcripts: 5 prime UTR variant (1), intron variant (1).
Genome position (GRCh38, 1-based): chr2:107,988,189, A>G. VCF-style: chr2-107988189-A-G. GRCh37 (hg19) VCF-style: chr2-108604645-A-G.
Other names: c.34A>G, p.Ile12Val (NM_001305005.3); c.-671A>G (NM_001305007.3); c.-138+1426A>G (NM_001305006.3); short protein forms I12V.
Identifiers: ClinVar variation 1418951 (VCV001418951.8), dbSNP rs764663527, ClinGen allele CA1818869.